The following is an entry in ClinVar:

NM_033124.5(DRC2):c.710_711del (p.Thr237fs)

Gene: DRC2 (dynein regulatory complex subunit 2; plus strand). Cytogenetic location: 12q13.12.
Variant type: Microsatellite.
Coding change: c.710_711del on transcript NM_033124.5 (MANE Select); coding-DNA positions 710 to 711, 2 bases deleted (CA; older notation c.710_711delCA).
Protein change: p.Thr237fs; shifts the reading frame from threonine 237.
Molecular consequence: frameshift variant.
Genome position (GRCh38, 1-based): chr12:48,918,375-48,918,376, CA deleted; deleting any 2 consecutive bases within chr12:48,918,373-48,918,376 gives the same sequence; the c. name uses the placement nearest the transcript's 3' end. VCF-style (leftmost placement, unchanged base first): chr12-48918372-CCA-C. GRCh37 (hg19) VCF-style: chr12-49312155-CCA-C.
Other names: c.281_282del, p.Thr94fs (NM_001286957.2); short protein forms T237fs, T94fs.
Identifiers: ClinVar variation 3667024 (VCV003667024.2).

ClinVar aggregate classification (germline): Pathogenic (1 of 4 stars; one submission).

Conditions:
Primary ciliary dyskinesia 27. Also called: CILIARY DYSKINESIA, PRIMARY, 27, WITHOUT SITUS INVERSUS. Identifiers: Orphanet 244, MedGen C3809701, MONDO:0014215, OMIM 615504.

Submission:

Labcorp Genetics (formerly Invitae), Labcorp
Classification: Pathogenic for Primary ciliary dyskinesia 27. Last evaluated: 2025-11-22. Review status: criteria provided, single submitter. Criteria: Invitae Variant Classification Sherloc (09022015). Collection method: clinical testing. Allele origin: germline.
Comment: This sequence change creates a premature translational stop signal (p.Thr237Argfs*8) in the CCDC65 gene. It is expected to result in an absent or disrupted protein product. Loss-of-function variants in CCDC65 are known to be pathogenic (PMID: 23991085, 24094744). This variant is present in population databases (rs780152149, gnomAD 0.005%). This variant has not been reported in the literature in individuals affected with CCDC65-related conditions. For these reasons, this variant has been classified as Pathogenic.

Literature cited by the submitters: PubMed 23991085; PubMed 24094744.